The following is an entry in ClinVar:

ClinVar aggregate classification (germline): Uncertain significance (1 of 4 stars; one submission).

Conditions:
Inborn genetic diseases. Identifiers: MedGen C0950123, MeSH D030342.

Submission:

Ambry Genetics
Classification: Uncertain significance for Inborn genetic diseases. Last evaluated: 2025-06-12. Review status: criteria provided, single submitter. Criteria: Ambry Variant Classification Scheme 2023. Collection method: clinical testing. Allele origin: germline.
Comment: The p.H1214P variant (also known as c.3641A>C), located in coding exon 13 of the ASXL1 gene, results from an A to C substitution at nucleotide position 3641. The histidine at codon 1214 is replaced by proline, an amino acid with similar properties. This amino acid position is conserved. In addition, this alteration is predicted to be tolerated by in silico analysis. Based on the available evidence, the clinical significance of this variant remains unclear.

NM_015338.6(ASXL1):c.3641A>C (p.His1214Pro)

Gene: ASXL1 (ASXL transcriptional regulator 1; plus strand). Cytogenetic location: 20q11.21.
Variant type: single nucleotide variant.
Coding change: c.3641A>C on transcript NM_015338.6 (MANE Select); coding-DNA position 3641, A replaced by C.
Protein change: p.His1214Pro; replaces histidine 1214 with proline.
Molecular consequence: missense variant.
Genome position (GRCh38, 1-based): chr20:32,436,353, A>C. VCF-style: chr20-32436353-A-C. GRCh37 (hg19) VCF-style: chr20-31024156-A-C.
Other names: c.3458A>C, p.His1153Pro (NM_001363734.1); short protein forms H1153P, H1214P.
Identifiers: ClinVar variation 3957801 (VCV003957801.1).